The following is an entry in ClinVar:

ClinVar aggregate classification (germline): Uncertain significance (1 of 4 stars; one submission).

Allele frequency attached by ClinVar (database versions not stated): gnomAD exomes below 0.00001.
gnomAD v4.1: 1 of 1,614,176 alleles (0.000062%); highest among the groups gnomAD compares: Non-Finnish European, 0.000085%; no homozygotes.

Submission:

Ambry Genetics
Classification: Uncertain significance. Last evaluated: 2022-08-03. Review status: criteria provided, single submitter. Criteria: Ambry Variant Classification Scheme 2023. Collection method: clinical testing. Allele origin: germline.
Comment: The p.T1301P variant (also known as c.3901A>C), located in coding exon 17 of the NPAT gene, results from an A to C substitution at nucleotide position 3901. The threonine at codon 1301 is replaced by proline, an amino acid with highly similar properties. This amino acid position is conserved. In addition, this alteration is predicted to be tolerated by in silico analysis. Since supporting evidence is limited at this time, the clinical significance of this alteration remains unclear.

NM_002519.3(NPAT):c.3901A>C (p.Thr1301Pro)

Gene: NPAT (nuclear protein, coactivator of histone transcription; minus strand). Cytogenetic location: 11q22.3.
Variant type: single nucleotide variant.
Coding change: c.3901A>C on transcript NM_002519.3 (MANE Select); coding-DNA position 3901, A replaced by C.
Protein change: p.Thr1301Pro; replaces threonine 1301 with proline.
Molecular consequence: missense variant.
Genome position (GRCh38, 1-based): chr11:108,161,185, T>G on the plus strand (A>C on the coding strand, the complement: NPAT is on the minus strand). VCF-style: chr11-108161185-T-G. GRCh37 (hg19) VCF-style: chr11-108031912-T-G.
Other names: c.3922A>C, p.Thr1308Pro (NM_001321307.1); short protein forms T1308P, T1301P.
Identifiers: ClinVar variation 1736025 (VCV001736025.2), dbSNP rs2496694174, ClinGen allele CA382509798.